The following is an entry in ClinVar:

NM_006231.4(POLE):c.6136+3G>A

Gene: POLE (DNA polymerase epsilon, catalytic subunit; minus strand). Cytogenetic location: 12q24.33.
Variant type: single nucleotide variant.
Coding change: c.6136+3G>A on transcript NM_006231.4 (MANE Select); 3 bases into the intron after coding-DNA position 6136, G replaced by A.
Molecular consequence: intron variant.
Genome position (GRCh38, 1-based): chr12:132,632,661, C>T on the plus strand (G>A on the coding strand, the complement: POLE is on the minus strand). VCF-style: chr12-132632661-C-T. GRCh37 (hg19) VCF-style: chr12-133209247-C-T.
Other names: c.6136+3G>A (NM_006231.2).
Identifiers: ClinVar variation 864695 (VCV000864695.8), dbSNP rs1328557002, ClinGen allele CA916082366.

ClinVar aggregate classification (germline): Uncertain significance. Review status: criteria provided, multiple submitters, no conflicts (2 of 4 stars). 2 submissions from 2 submitters: Uncertain significance (2). Last evaluated 2026-08-17.

Conditions:
Hereditary cancer-predisposing syndrome. Also called: Tumor predisposition; Hereditary neoplastic syndrome; Neoplastic Syndromes, Hereditary; Hereditary Cancer Syndrome. Identifiers: Orphanet 140162, MedGen C0027672, MeSH D009386, MONDO:0015356.

Submissions (2):

Ambry Genetics
Classification: Uncertain significance for Hereditary cancer-predisposing syndrome. Last evaluated: 2026-08-17. Review status: criteria provided, single submitter. Criteria: Ambry Variant Classification Scheme 2023. Collection method: clinical testing. Allele origin: germline.
Comment: The c.6136+3G>A intronic variant results from a G to A substitution 3 nucleotides after coding exon 44 in the POLE gene. This nucleotide position is not well conserved in available vertebrate species. In silico splice site analysis predicts that this alteration will not have any significant effect on splicing. Based on the available evidence, the clinical significance of this variant remains unclear.

Labcorp Genetics (formerly Invitae), Labcorp
Classification: Uncertain significance. Last evaluated: 2023-08-28. Review status: criteria provided, single submitter. Criteria: Invitae Variant Classification Sherloc (09022015). Collection method: clinical testing. Allele origin: germline.
Comment: In summary, the available evidence is currently insufficient to determine the role of this variant in disease. Therefore, it has been classified as a Variant of Uncertain Significance. Variants that disrupt the consensus splice site are a relatively common cause of aberrant splicing (PMID: 17576681, 9536098). Algorithms developed to predict the effect of sequence changes on RNA splicing suggest that this variant is not likely to affect RNA splicing. ClinVar contains an entry for this variant (Variation ID: 864695). This variant has not been reported in the literature in individuals affected with POLE-related conditions. This variant is not present in population databases (gnomAD no frequency). This sequence change falls in intron 44 of the POLE gene. It does not directly change the encoded amino acid sequence of the POLE protein. It affects a nucleotide within the consensus splice site.

Literature cited by the submitters: PubMed 17576681 (cited by Labcorp Genetics (formerly Invitae), Labcorp); PubMed 9536098 (cited by Labcorp Genetics (formerly Invitae), Labcorp).